The following is an entry in ClinVar:

ClinVar aggregate classification (germline): Conflicting classifications of pathogenicity. Review status: criteria provided, conflicting classifications (1 of 4 stars). 4 submissions from 4 submitters: Uncertain significance (2); Likely benign (2). Last evaluated 2024-08-31.

Conditions:
Cardiovascular phenotype. Identifiers: MedGen CN230736.
Hereditary cancer-predisposing syndrome. Also called: Hereditary Cancer Syndrome; Hereditary neoplastic syndrome; Tumor predisposition; Neoplastic Syndromes, Hereditary. Identifiers: Orphanet 140162, MedGen C0027672, MeSH D009386, MONDO:0015356.
Neurofibromatosis, type 1 (NF1). Also called: VON RECKLINGHAUSEN DISEASE; NEUROFIBROMATOSIS, TYPE I, SOMATIC; Peripheral type neurofibromatosis; Neurofibromatosis, type I. Identifiers: Orphanet 636, MedGen C0027831, MONDO:0018975, OMIM 162200. Disease mechanism: loss of function.
Café-au-lait macules with pulmonary stenosis (WTSN). Also called: PULMONIC STENOSIS WITH CAFE-AU-LAIT SPOTS. Identifiers: MedGen C0553586, MONDO:0008672, OMIM 193520.
Juvenile myelomonocytic leukemia (JMML). Also called: LEUKEMIA, JUVENILE MYELOMONOCYTIC, SOMATIC. Identifiers: Orphanet 86834, MedGen C0349639, MONDO:0011908, OMIM 607785, HP:0012209.
Neurofibromatosis-Noonan syndrome (NFNS). Also called: NEUROFIBROMATOSIS WITH NOONAN PHENOTYPE. Identifiers: Orphanet 638, MedGen C2931482, MONDO:0011035, OMIM 601321. Disease mechanism: loss of function.
Neurofibromatosis, familial spinal (FSNF). Identifiers: Orphanet 636, MedGen C1834235, MONDO:0008078, OMIM 162210. Disease mechanism: loss of function.

Allele frequency attached by ClinVar (database versions not stated): gnomAD exomes below 0.00001 and 0.00001; ExAC 0.00001.
gnomAD v4.1: 3 of 1,614,114 alleles (0.00019%); highest among the groups gnomAD compares: East Asian, 0.0067%; no homozygotes.

Submissions (4):

Labcorp Genetics (formerly Invitae), Labcorp
Classification: Likely benign for Neurofibromatosis, type 1. Last evaluated: 2024-08-31. Review status: criteria provided, single submitter. Criteria: Invitae Variant Classification Sherloc (09022015). Collection method: clinical testing. Allele origin: germline.

GeneDx
Classification: Uncertain significance. Last evaluated: 2024-03-08. Review status: criteria provided, single submitter. Criteria: GeneDx Variant Classification Process June 2021. Collection method: clinical testing. Allele origin: germline. Affected: yes.
Comment: In silico analysis supports that this missense variant has a deleterious effect on protein structure/function; Has not been previously published as pathogenic or benign to our knowledge

Fulgent Genetics
Classification: Uncertain significance for Neurofibromatosis, type 1; Neurofibromatosis, familial spinal; Café-au-lait macules with pulmonary stenosis; Neurofibromatosis-Noonan syndrome; Juvenile myelomonocytic leukemia. Last evaluated: 2024-03-01. Review status: criteria provided, single submitter. Criteria: ACMG Guidelines, 2015. Collection method: clinical testing. Allele origin: germline.

Ambry Genetics
Classification: Likely benign for Cardiovascular phenotype; Hereditary cancer-predisposing syndrome. Last evaluated: 2022-03-16. Review status: criteria provided, single submitter. Criteria: Ambry Variant Classification Scheme 2023. Collection method: clinical testing. Allele origin: germline.

NM_001042492.3(NF1):c.1019C>G (p.Ser340Cys)

Gene: NF1 (neurofibromin 1; plus strand). Cytogenetic location: 17q11.2.
Variant type: single nucleotide variant.
Coding change: c.1019C>G on transcript NM_001042492.3 (MANE Select); coding-DNA position 1019, C replaced by G.
Protein change: p.Ser340Cys; replaces serine 340 with cysteine.
Molecular consequence: missense variant.
Genome position (GRCh38, 1-based): chr17:31,200,552, C>G. VCF-style: chr17-31200552-C-G. GRCh37 (hg19) VCF-style: chr17-29527570-C-G.
Other names: c.1019C>G, p.Ser340Cys (NM_000267.4, NM_001128147.3); short protein forms S340C.
Identifiers: ClinVar variation 457511 (VCV000457511.12), dbSNP rs771089333, ClinGen allele CA8485669.